The following is an entry in ClinVar:

NM_173630.4(RTTN):c.2101C>T (p.Arg701Ter)

Gene: RTTN (rotatin; minus strand). Cytogenetic location: 18q22.2.
Variant type: single nucleotide variant.
Coding change: c.2101C>T on transcript NM_173630.4 (MANE Select); coding-DNA position 2101, C replaced by T.
Protein change: p.Arg701Ter; replaces arginine 701 with a stop codon.
Molecular consequence: nonsense. On other transcripts: 5 prime UTR variant (1).
Genome position (GRCh38, 1-based): chr18:70,150,042, G>A on the plus strand (C>T on the coding strand, the complement: RTTN is on the minus strand). VCF-style: chr18-70150042-G-A. GRCh37 (hg19) VCF-style: chr18-67817278-G-A.
Other names: c.-547C>T (NM_001318520.2); short protein forms R701*.
Identifiers: ClinVar variation 817547 (VCV000817547.4), dbSNP rs932327641, ClinGen allele CA301926290.

ClinVar aggregate classification (germline): Likely pathogenic (1 of 4 stars; one submission).

Allele frequency attached by ClinVar (database versions not stated): TOPMed 0.00002; gnomAD exomes below 0.00001; gnomAD 0.00002.
gnomAD v4.1: 9 of 1,613,178 alleles (0.00056%); highest among the groups gnomAD compares: Middle Eastern, 0.016%; no homozygotes.

Submission:

GeneDx
Classification: Likely pathogenic. Last evaluated: 2023-11-28. Review status: criteria provided, single submitter. Criteria: GeneDx Variant Classification Process June 2021. Collection method: clinical testing. Allele origin: germline. Affected: yes.
Comment: Nonsense variant predicted to result in protein truncation or nonsense mediated decay in a gene for which loss of function is a known mechanism of disease; Not observed at significant frequency in large population cohorts (gnomAD); Has not been previously published as pathogenic or benign to our knowledge